The following is an entry in ClinVar:

ClinVar aggregate classification (germline): Uncertain significance. Review status: criteria provided, multiple submitters, no conflicts (2 of 4 stars). 2 submissions from 2 submitters: Uncertain significance (2). Last evaluated 2019-01-28.

Conditions:
Inborn genetic diseases. Identifiers: MedGen C0950123, MeSH D030342.
Ocular cystinosis. Also called: Non-Nephropathic (Ocular) Cystinosis; Non-Nephropathic Cystinosis. Identifiers: Orphanet 213, Orphanet 411641, MedGen C2931013, MONDO:0009064, OMIM 219750.
Juvenile nephropathic cystinosis. Also called: Intermediate Cystinosis; Later-Onset (Juvenile) Cystinosis; CYSTINOSIS, LATE-ONSET JUVENILE OR ADOLESCENT NEPHROPATHIC TYPE. Identifiers: Orphanet 213, Orphanet 411634, MedGen C0268626, MONDO:0009066, OMIM 219900.
Nephropathic cystinosis (CTNS). Also called: CYSTINOSIN, DEFECT OF; LYSOSOMAL CYSTINE TRANSPORT PROTEIN, DEFECT OF; Abderhalden Lignac Kaufmann disease; Abderhalden-Kaufmann-Lignac syndrome. Identifiers: Orphanet 213, Orphanet 411629, MedGen C2931187, MONDO:0100151, OMIM 219800.

Submissions (2):

Labcorp Genetics (formerly Invitae), Labcorp
Classification: Uncertain significance for Inborn genetic diseases; Ocular cystinosis; Juvenile nephropathic cystinosis. Last evaluated: 2019-01-28. Review status: criteria provided, single submitter. Criteria: Invitae Variant Classification Sherloc (09022015). Collection method: clinical testing. Allele origin: germline.
Comment: This variant has not been reported in the literature in individuals with CTNS-related conditions. In summary, the available evidence is currently insufficient to determine the role of this variant in disease. Therefore, it has been classified as a Variant of Uncertain Significance. Algorithms developed to predict the effect of missense changes on protein structure and function (SIFT, PolyPhen-2, Align-GVGD) all suggest that this variant is likely to be disruptive, but these predictions have not been confirmed by published functional studies and their clinical significance is uncertain. This variant is not present in population databases (ExAC no frequency). This sequence change replaces lysine with glutamine at codon 280 of the CTNS protein (p.Lys280Gln). The lysine residue is highly conserved and there is a small physicochemical difference between lysine and glutamine.

Neuberg Centre For Genomic Medicine, NCGM
Classification: Uncertain significance for Nephropathic cystinosis. Review status: criteria provided, single submitter. Criteria: ACMG Guidelines, 2015. Collection method: clinical testing. Allele origin: germline. Inheritance: Autosomal recessive inheritance. Affected: yes.
Comment: The missense variantc.838A>C in CTNS (NM_001031681.2) has been submitted to ClinVar as a Variant of Uncertain Significance, but no details are available for independent assessment. The amino acid Lys at position 280 is changed to a Gln changing protein sequence and it might alter its composition and physicochemical properties. The p.Lys280Gln variant is novel (not in any individuals) in gnomAD Exomes and 1000 Genomes. The amino acid change p.Lys280Gln in CTNS is predicted as conserved by GERP++ and PhyloP across 100 vertebrates. For these reasons, this variant has been classified as Uncertain Significance.

NM_004937.3(CTNS):c.838A>C (p.Lys280Gln)

Gene: CTNS (cystinosin, lysosomal cystine transporter; plus strand). Cytogenetic location: 17p13.2.
Variant type: single nucleotide variant.
Coding change: c.838A>C on transcript NM_004937.3 (MANE Select); coding-DNA position 838, A replaced by C.
Protein change: p.Lys280Gln; replaces lysine 280 with glutamine.
Molecular consequence: missense variant.
Genome position (GRCh38, 1-based): chr17:3,658,161, A>C. VCF-style: chr17-3658161-A-C. GRCh37 (hg19) VCF-style: chr17-3561455-A-C.
Other names: c.838A>C (NM_001031681.2); c.838A>C, p.Lys280Gln (NM_001031681.3, NM_001374492.1); c.397A>C, p.Lys133Gln (NM_001374493.1, NM_001374494.1, NM_001374495.1 and 1 more transcripts); short protein forms K133Q, K280Q.
Identifiers: ClinVar variation 851823 (VCV000851823.12), dbSNP rs2076200184, ClinGen allele CA397692725.
Genomic context (GRCh38, chr17:3,658,161, plus strand): 5'-ACCACGTGGCTGCAGTTTCTCTTCTGCTTCTCCTACATCAAGCTCGCAGTCACGCTGGTC[A>C]AGTATTTTCCACAGGTACCTCCAGGGCCCTGTTCACATGGCCGGTGGCAGGAGAGGTGAG-3'
Protein context (NP_004928.2, residues 270-290): SYIKLAVTLV[Lys280Gln]YFPQAYMNFY